The following is an entry in ClinVar:

NM_007289.4(MME):c.900_901dup (p.Asn301fs)

Gene: MME (membrane metalloendopeptidase; plus strand). Cytogenetic location: 3q25.2.
Variant type: Microsatellite.
Coding change: c.900_901dup on transcript NM_007289.4 (MANE Select); coding-DNA positions 900 to 901, 2 bases duplicated (TA; older notation c.900_901dupTA).
Protein change: p.Asn301fs; shifts the reading frame from asparagine 301.
Molecular consequence: frameshift variant.
Genome position (GRCh38, 1-based): chr3:155,140,235-155,140,236, TA duplicated; duplicating any 2 consecutive bases within chr3:155,140,233-155,140,236 gives the same sequence; the c. name uses the placement nearest the transcript's 3' end. VCF-style (leftmost placement, unchanged base first): chr3-155140232-G-GTA. GRCh37 (hg19) VCF-style: chr3-154858021-G-GTA.
Other names: c.900_901dup, p.Asn301fs (NM_000902.5, NM_001354642.2, NM_001354643.1 and 2 more transcripts); short protein forms N301fs.
Identifiers: ClinVar variation 1452456 (VCV001452456.6), dbSNP rs2108307852, ClinGen allele CA2580616000.

ClinVar aggregate classification (germline): Pathogenic (1 of 4 stars; one submission).

Submission:

Labcorp Genetics (formerly Invitae), Labcorp
Classification: Pathogenic. Last evaluated: 2023-08-10. Review status: criteria provided, single submitter. Criteria: Invitae Variant Classification Sherloc (09022015). Collection method: clinical testing. Allele origin: germline.
Comment: This sequence change creates a premature translational stop signal (p.Asn301Ilefs*4) in the MME gene. It is expected to result in an absent or disrupted protein product. Loss-of-function variants in MME are known to be pathogenic (PMID: 26991897). This variant is not present in population databases (gnomAD no frequency). This variant has not been reported in the literature in individuals affected with MME-related conditions. For these reasons, this variant has been classified as Pathogenic.

Literature cited by the submitters: PubMed 26991897.